The following is an entry in ClinVar:

ClinVar aggregate classification (germline): Uncertain significance (1 of 4 stars; one submission).

Conditions:
Ehlers-Danlos syndrome, kyphoscoliotic type 1 (EDSKSCL1). Also called: EHLERS-DANLOS SYNDROME, OCULAR-SCOLIOTIC TYPE; PLOD1-Related Kyphoscoliotic Ehlers-Danlos Syndrome; Ehlers-Danlos syndrome, hydroxylysine-deficient; EHLERS-DANLOS SYNDROME, TYPE VIA. Identifiers: Orphanet 1900, MedGen C0268342, MONDO:0016002, OMIM 225400. Disease mechanism: loss of function.

Allele frequency attached by ClinVar (database versions not stated): gnomAD exomes below 0.00001 and 0.00001.

Submission:

Labcorp Genetics (formerly Invitae), Labcorp
Classification: Uncertain significance for Ehlers-Danlos syndrome, kyphoscoliotic type 1. Last evaluated: 2022-02-01. Review status: criteria provided, single submitter. Criteria: Invitae Variant Classification Sherloc (09022015). Collection method: clinical testing. Allele origin: germline.
Comment: This sequence change replaces asparagine, which is neutral and polar, with aspartic acid, which is acidic and polar, at codon 453 of the PLOD1 protein (p.Asn453Asp). This variant is present in population databases (no rsID available, gnomAD 0.006%). This variant has not been reported in the literature in individuals affected with PLOD1-related conditions. Algorithms developed to predict the effect of missense changes on protein structure and function (SIFT, PolyPhen-2, Align-GVGD) all suggest that this variant is likely to be tolerated. Algorithms developed to predict the effect of sequence changes on RNA splicing suggest that this variant may create or strengthen a splice site. In summary, the available evidence is currently insufficient to determine the role of this variant in disease. Therefore, it has been classified as a Variant of Uncertain Significance.

NM_000302.4(PLOD1):c.1357A>G (p.Asn453Asp)

Gene: PLOD1 (procollagen-lysine,2-oxoglutarate 5-dioxygenase 1; plus strand). Cytogenetic location: 1p36.22.
Variant type: single nucleotide variant.
Coding change: c.1357A>G on transcript NM_000302.4 (MANE Select); coding-DNA position 1357, A replaced by G.
Protein change: p.Asn453Asp; replaces asparagine 453 with aspartic acid.
Molecular consequence: missense variant.
Genome position (GRCh38, 1-based): chr1:11,964,672, A>G. VCF-style: chr1-11964672-A-G. GRCh37 (hg19) VCF-style: chr1-12024729-A-G.
Other names: c.1498A>G, p.Asn500Asp (NM_001316320.2); short protein forms N453D, N500D.
Identifiers: ClinVar variation 1500456 (VCV001500456.3), dbSNP rs1204551467, ClinGen allele CA338443201.